The following is an entry in ClinVar:

NM_080669.6(SLC46A1):c.1366C>T (p.Pro456Ser)

Genes: SARM1 (sterile alpha and TIR motif containing 1; plus strand), SLC46A1 (solute carrier family 46 member 1; minus strand). Cytogenetic location: 17q11.2.
Variant type: single nucleotide variant.
Coding change: c.1366C>T on transcript NM_080669.6 (MANE Select); coding-DNA position 1366, C replaced by T.
Protein change: p.Pro456Ser; replaces proline 456 with serine.
Molecular consequence: missense variant. On other transcripts: 3 prime UTR variant (1).
Genome position (GRCh38, 1-based): chr17:28,399,670, G>A on the plus strand (C>T on the coding strand, the complement: SLC46A1 is on the minus strand). VCF-style: chr17-28399670-G-A. GRCh37 (hg19) VCF-style: chr17-26726686-G-A.
Other names: c.1282C>T, p.Pro428Ser (NM_001242366.3); c.*3384G>A (NM_015077.4); short protein forms P456S, P428S.
Identifiers: ClinVar variation 235433 (VCV000235433.42), dbSNP rs186143284, ClinGen allele CA8458138.

ClinVar aggregate classification (germline): Benign/Likely benign. Review status: criteria provided, multiple submitters, no conflicts (2 of 4 stars). 6 submissions from 6 submitters: Benign (1); Likely benign (4). 1 of the submissions does not count toward it. Last evaluated 2026-02-01.

Conditions:
SLC46A1-related disorder. Also called: SLC46A1-related condition.

Allele frequency attached by ClinVar (database versions not stated): 1000 Genomes Project 30x 0.00047; 1000 Genomes Project 0.00060; TOPMed 0.00205; gnomAD 0.00228 and 0.00232; ESP Exome Variant Server 0.00301; gnomAD exomes 0.00311 and 0.00333; ExAC 0.00347.
gnomAD v4.1: 5,163 of 1,613,990 alleles (0.32%); highest among the groups gnomAD compares: Non-Finnish European, 0.37%; 15 homozygotes.

Submissions (6):

Labcorp Genetics (formerly Invitae), Labcorp
Classification: Likely benign. Last evaluated: 2026-02-01. Review status: criteria provided, single submitter. Criteria: Invitae Variant Classification Sherloc (09022015). Collection method: clinical testing. Allele origin: germline.

CeGaT Center for Human Genetics Tuebingen
Classification: Likely benign. Last evaluated: 2025-07-01. Review status: criteria provided, single submitter. Criteria: CeGaT Center For Human Genetics Tuebingen Variant Classification Criteria Version 2. Collection method: clinical testing. Allele origin: germline. Affected: yes. Observed: 7 variant alleles.
Comment: SARM1: BS2; SLC46A1: BP4, BS2

Women's Health and Genetics/Laboratory Corporation of America, LabCorp
Classification: Likely benign. Last evaluated: 2024-09-13. Review status: criteria provided, single submitter. Criteria: LabCorp Variant Classification Summary - May 2015. Collection method: clinical testing. Allele origin: germline.
Comment: Variant summary: SLC46A1 c.1366C>T (p.Pro456Ser) results in a non-conservative amino acid change in the encoded protein sequence. Four of five in-silico tools predict a benign effect of the variant on protein function. The variant allele was found at a frequency of 0.0031 in 247576 control chromosomes in the gnomAD database, including 4 homozygotes. The observed variant frequency is approximately 3-fold of the estimated maximal expected allele frequency for a pathogenic variant in SLC46A1 causing Congenital Defect Of Folate Absorption phenotype (0.0011). c.1366C>T has been reported in the literature in individuals affected with intellectual disability and individuals from general population in a case-control study for factors affecting Folate levels (Pavlkova_2012, Redin_2014). These report(s) do not provide unequivocal conclusions about association of the variant with Congenital Defect Of Folate Absorption. To our knowledge, no experimental evidence demonstrating an impact on protein function has been reported. The following publications have been ascertained in the context of this evaluation (PMID: 22695967, 25167861). ClinVar contains an entry for this variant (Variation ID: 235433). Based on the evidence outlined above, the variant was classified as likely benign.

Center for Pediatric Genomic Medicine, Children's Mercy Hospital and Clinics
Classification: Likely benign. Last evaluated: 2016-04-12. Review status: criteria provided, single submitter. Criteria: ACMG Guidelines, 2015. Collection method: clinical testing. Allele origin: germline.
ClinVar note: Converted during submission from Likely Benign to Likely benign.

Eurofins Ntd Llc (ga)
Classification: Benign. Last evaluated: 2015-11-03. Review status: criteria provided, single submitter. Criteria: EGL Classification Definitions 2015. Collection method: clinical testing. Allele origin: germline. Observed: 1 variant allele, 1 heterozygote.

PreventionGenetics, part of Exact Sciences
Classification: Likely benign for SLC46A1-related condition. Last evaluated: 2019-09-06. Review status: no assertion criteria provided. Collection method: clinical testing. Allele origin: germline. Not counted in ClinVar's aggregate classification.
Comment: This variant is classified as likely benign based on ACMG/AMP sequence variant interpretation guidelines (Richards et al. 2015 PMID: 25741868, with internal and published modifications).

Literature cited by the submitters: PubMed 25167861 (cited by Women's Health and Genetics/Laboratory Corporation of America, LabCorp); PubMed 22695967 (cited by Women's Health and Genetics/Laboratory Corporation of America, LabCorp).